The following is an entry in ClinVar:

ClinVar aggregate classification (germline): Pathogenic (1 of 4 stars; one submission).

Conditions:
Tuberous sclerosis 1 (TSC1). Identifiers: Orphanet 805, MedGen C1854465, MONDO:0008612, OMIM 191100.

Submission:

Labcorp Genetics (formerly Invitae), Labcorp
Classification: Pathogenic for Tuberous sclerosis 1. Last evaluated: 2025-02-27. Review status: criteria provided, single submitter. Criteria: Invitae Variant Classification Sherloc (09022015). Collection method: clinical testing. Allele origin: germline.
Comment: This sequence change creates a premature translational stop signal (p.Glu887Argfs*17) in the TSC1 gene. It is expected to result in an absent or disrupted protein product. Loss-of-function variants in TSC1 are known to be pathogenic (PMID: 10227394, 17304050). This variant is not present in population databases (gnomAD no frequency). This variant has not been reported in the literature in individuals affected with TSC1-related conditions. For these reasons, this variant has been classified as Pathogenic.

Literature cited by the submitters: PubMed 10227394; PubMed 17304050.

NM_000368.5(TSC1):c.2658dup (p.Glu887fs)

Gene: TSC1 (TSC complex subunit 1; minus strand). Cytogenetic location: 9q34.13.
Variant type: Duplication.
Coding change: c.2658dup on transcript NM_000368.5 (MANE Select); coding-DNA position 2658, one base duplicated (A; older notation c.2658dupA).
Protein change: p.Glu887fs; shifts the reading frame from glutamic acid 887.
Molecular consequence: frameshift variant. On other transcripts: non-coding transcript variant (5).
Genome position (GRCh38, 1-based): chr9:132,897,578, T duplicated on the plus strand (A on the coding strand, the reverse complement: TSC1 is on the minus strand); the first of 3 consecutive T bases (chr9:132,897,578-132,897,580); duplicating any one gives the same sequence. VCF-style (leftmost placement, unchanged base first): chr9-132897577-C-CT. GRCh37 (hg19) VCF-style: chr9-135772964-C-CT.
Other names: c.2655dup, p.Glu886fs (NM_001162426.2, NM_001406597.1, NM_001406598.1 and 2 more transcripts); c.2505dup, p.Glu836fs (NM_001162427.2, NM_001406610.1); c.2295dup, p.Glu766fs (NM_001362177.2, NM_001406614.1, NM_001406615.1 and 4 more transcripts); c.2658dup, p.Glu887fs (NM_001406592.1, NM_001406593.1, NM_001406594.1 and 2 more transcripts); c.2643dup, p.Glu882fs (NM_001406601.1, NM_001406602.1); c.2640dup, p.Glu881fs (NM_001406603.1, NM_001406604.1); c.2616dup, p.Glu873fs (NM_001406605.1, NM_001406606.1, NM_001406607.1); c.2613dup, p.Glu872fs (NM_001406608.1, NM_001406609.1); and 8 more; short protein forms E752fs, E886fs, E766fs, E835fs, E882fs, E569fs, E821fs, E836fs.
Identifiers: ClinVar variation 4713960 (VCV004713960.1).